The following is an entry in ClinVar:

ClinVar aggregate classification (germline): Uncertain significance (1 of 4 stars; one submission).

Submission:

Ambry Genetics
Classification: Uncertain significance. Last evaluated: 2023-07-15. Review status: criteria provided, single submitter. Criteria: Ambry Variant Classification Scheme 2023. Collection method: clinical testing. Allele origin: germline.
Comment: The p.L135V variant (also known as c.403C>G), located in coding exon 1 of the KCNE5 gene, results from a C to G substitution at nucleotide position 403. The leucine at codon 135 is replaced by valine, an amino acid with highly similar properties. This amino acid position is conserved. In addition, this alteration is predicted to be tolerated by in silico analysis. Since supporting evidence is limited at this time, the clinical significance of this alteration remains unclear.

NM_012282.4(KCNE5):c.403C>G (p.Leu135Val)

Gene: KCNE5 (potassium voltage-gated channel subfamily E regulatory subunit 5; minus strand). Cytogenetic location: Xq23.
Variant type: single nucleotide variant.
Coding change: c.403C>G on transcript NM_012282.4 (MANE Select); coding-DNA position 403, C replaced by G.
Protein change: p.Leu135Val; replaces leucine 135 with valine.
Molecular consequence: missense variant.
Genome position (GRCh38, 1-based): chrX:109,624,618, G>C on the plus strand (C>G on the coding strand, the complement: KCNE5 is on the minus strand). VCF-style: chrX-109624618-G-C. GRCh37 (hg19) VCF-style: chrX-108867847-G-C.
Other names: short protein forms L135V.
Identifiers: ClinVar variation 2626405 (VCV002626405.2), dbSNP rs1273932060, ClinGen allele CA414212944.